The following is an entry in ClinVar:

NM_001128425.2(MUTYH):c.29G>A (p.Arg10His)

Genes: TOE1 (target of EGR1, exonuclease; plus strand), MUTYH (mutY DNA glycosylase; minus strand). Cytogenetic location: 1p34.1.
Variant type: single nucleotide variant.
Coding change: c.29G>A on transcript NM_001128425.2 (MANE Plus Clinical); coding-DNA position 29, G replaced by A.
Protein change: p.Arg10His; replaces arginine 10 with histidine.
Molecular consequence: missense variant. On other transcripts: non-coding transcript variant (3), 5 prime UTR variant (8).
Genome position (GRCh38, 1-based): chr1:45,340,226, C>T on the plus strand (G>A on the coding strand, the complement: MUTYH is on the minus strand). VCF-style: chr1-45340226-C-T. GRCh37 (hg19) VCF-style: chr1-45805898-C-T.
Other names: c.29G>A, p.Arg10His (NM_001293190.2, NM_001407069.1, NM_001407073.1 and 1 more transcripts); c.-226G>A (NM_001293192.2); c.-285G>A (NM_001350650.2); c.-221G>A (NM_001350651.2); c.-30G>A (NM_001407070.1, NM_001407071.1); c.-10G>A (NM_001407072.1); c.-27C>T (NM_025077.4); c.-14G>A (NM_001048171.2); short protein forms R10H.
Identifiers: ClinVar variation 464709 (VCV000464709.15), dbSNP rs755928199, ClinGen allele CA089468.

ClinVar aggregate classification (germline): Uncertain significance. Review status: criteria provided, multiple submitters, no conflicts (2 of 4 stars). 5 submissions from 5 submitters: Uncertain significance (5). Last evaluated 2025-02-07.

Conditions:
Hereditary cancer-predisposing syndrome. Also called: Neoplastic Syndromes, Hereditary; Hereditary Cancer Syndrome; Tumor predisposition; Hereditary neoplastic syndrome. Identifiers: Orphanet 140162, MedGen C0027672, MeSH D009386, MONDO:0015356.
Familial adenomatous polyposis 2. Also called: FAP type 2; COLORECTAL ADENOMATOUS POLYPOSIS, AUTOSOMAL RECESSIVE; MYH-associated polyposis; MUTYH-associated polyposis; Adenomas, multiple colorectal; ADENOMAS, MULTIPLE COLORECTAL, AUTOSOMAL RECESSIVE. Identifiers: Orphanet 220460, Orphanet 247798, MedGen C3272841, MONDO:0012041, OMIM 608456.

Allele frequency attached by ClinVar (database versions not stated): TOPMed 0.00001.
gnomAD v4.1: 6 of 1,613,858 alleles (0.00037%); highest among the groups gnomAD compares: Admixed American, 0.0083%; no homozygotes.

Submissions (5):

Labcorp Genetics (formerly Invitae), Labcorp
Classification: Uncertain significance for Familial adenomatous polyposis 2. Last evaluated: 2025-02-07. Review status: criteria provided, single submitter. Criteria: Invitae Variant Classification Sherloc (09022015). Collection method: clinical testing. Allele origin: germline.
Comment: This sequence change replaces arginine, which is basic and polar, with histidine, which is basic and polar, at codon 10 of the MUTYH protein (p.Arg10His). This variant is present in population databases (rs755928199, gnomAD 0.01%). This variant has not been reported in the literature in individuals affected with MUTYH-related conditions. ClinVar contains an entry for this variant (Variation ID: 464709). An algorithm developed to predict the effect of missense changes on protein structure and function (PolyPhen-2) suggests that this variant is likely to be tolerated. In summary, the available evidence is currently insufficient to determine the role of this variant in disease. Therefore, it has been classified as a Variant of Uncertain Significance.

Ambry Genetics
Classification: Uncertain significance for Hereditary cancer-predisposing syndrome. Last evaluated: 2024-03-28. Review status: criteria provided, single submitter. Criteria: Ambry Variant Classification Scheme 2023. Collection method: clinical testing. Allele origin: germline.
Comment: The p.R10H variant (also known as c.29G>A), located in coding exon 1 of the MUTYH gene, results from a G to A substitution at nucleotide position 29. The arginine at codon 10 is replaced by histidine, an amino acid with highly similar properties. This amino acid position is poorly conserved in available vertebrate species. In addition, this alteration is predicted to be tolerated by in silico analysis. Since supporting evidence is limited at this time, the clinical significance of this alteration remains unclear.

All of Us Research Program, National Institutes of Health
Classification: Uncertain significance for Familial adenomatous polyposis 2. Last evaluated: 2023-11-02. Review status: criteria provided, single submitter. Criteria: ACMG Guidelines, 2015. Collection method: clinical testing. Allele origin: germline. Inheritance: Autosomal recessive inheritance. Observed: 1 variant allele, 1 heterozygote.
Comment: This missense variant replaces arginine with histidine at codon 10 of the MUTYH protein. Computational prediction suggests that this variant may not impact protein structure and function (internally defined REVEL score threshold <= 0.5, PMID: 27666373). To our knowledge, functional studies have not been reported for this variant. This variant has not been reported in individuals affected with MUTYH-related disorders in the literature. This variant has been identified in 6/249550 chromosomes in the general population by the Genome Aggregation Database (gnomAD). The available evidence is insufficient to determine the role of this variant in disease conclusively. Therefore, this variant is classified as a Variant of Uncertain Significance.

This study involves interpretation of variants in research participants for the purpose of population health screening. Participant phenotype was not available at the time of variant classification. Additional details can be found in publication PMID: 35346344, PMCID: PMC8962531

Color Diagnostics, LLC DBA Color Health
Classification: Uncertain significance for Hereditary cancer-predisposing syndrome. Last evaluated: 2023-10-12. Review status: criteria provided, single submitter. Criteria: ACMG Guidelines, 2015. Collection method: clinical testing. Allele origin: germline.
Comment: This missense variant replaces arginine with histidine at codon 10 of the MUTYH protein. Computational prediction suggests that this variant may not impact protein structure and function. To our knowledge, functional studies have not been reported for this variant. This variant has not been reported in individuals affected with MUTYH-related disorders in the literature. This variant has been identified in 6/249550 chromosomes in the general population by the Genome Aggregation Database (gnomAD). The available evidence is insufficient to determine the role of this variant in disease conclusively. Therefore, this variant is classified as a Variant of Uncertain Significance.

Women's Health and Genetics/Laboratory Corporation of America, LabCorp
Classification: Uncertain significance. Last evaluated: 2021-09-10. Review status: criteria provided, single submitter. Criteria: LabCorp Variant Classification Summary - May 2015. Collection method: clinical testing. Allele origin: germline.